The following is an entry in ClinVar:

ClinVar aggregate classification (germline): Uncertain significance (1 of 4 stars; one submission).

Conditions:
Hereditary nonpolyposis colorectal neoplasms. Identifiers: MedGen C0009405, MeSH D003123.

Submission:

Labcorp Genetics (formerly Invitae), Labcorp
Classification: Uncertain significance for Hereditary nonpolyposis colorectal neoplasms. Last evaluated: 2022-07-25. Review status: criteria provided, single submitter. Criteria: Invitae Variant Classification Sherloc (09022015). Collection method: clinical testing. Allele origin: germline.
Comment: This variant has not been reported in the literature in individuals affected with MSH6-related conditions. In summary, the available evidence is currently insufficient to determine the role of this variant in disease. Therefore, it has been classified as a Variant of Uncertain Significance. Advanced modeling of protein sequence and biophysical properties (such as structural, functional, and spatial information, amino acid conservation, physicochemical variation, residue mobility, and thermodynamic stability) performed at Invitae indicates that this missense variant is not expected to disrupt MSH6 protein function. ClinVar contains an entry for this variant (Variation ID: 1027200). This variant is not present in population databases (gnomAD no frequency). This sequence change replaces arginine, which is basic and polar, with leucine, which is neutral and non-polar, at codon 1263 of the MSH6 protein (p.Arg1263Leu).

NM_000179.3(MSH6):c.3788G>T (p.Arg1263Leu)

Gene: MSH6 (mutS homolog 6; plus strand). Cytogenetic location: 2p16.3.
Variant type: single nucleotide variant.
Coding change: c.3788G>T on transcript NM_000179.3 (MANE Select); coding-DNA position 3788, G replaced by T.
Protein change: p.Arg1263Leu; replaces arginine 1263 with leucine.
Molecular consequence: missense variant.
Genome position (GRCh38, 1-based): chr2:47,806,345, G>T. VCF-style: chr2-47806345-G-T. GRCh37 (hg19) VCF-style: chr2-48033484-G-T.
Other names: c.3398G>T, p.Arg1133Leu (NM_001281492.2); c.2882G>T, p.Arg961Leu (NM_001281493.2, NM_001281494.2); short protein forms R1133L, R1263L, R961L.
Identifiers: ClinVar variation 1027200 (VCV001027200.11), dbSNP rs147852216, ClinGen allele CA346761173.